The following is an entry in ClinVar:

ClinVar aggregate classification (germline): Uncertain significance (1 of 4 stars; one submission).

Submission:

Labcorp Genetics (formerly Invitae), Labcorp
Classification: Uncertain significance. Last evaluated: 2025-10-02. Review status: criteria provided, single submitter. Criteria: Invitae Variant Classification Sherloc (09022015). Collection method: clinical testing. Allele origin: germline.
Comment: This sequence change replaces lysine, which is basic and polar, with arginine, which is basic and polar, at codon 281 of the CTNNB1 protein (p.Lys281Arg). This variant is not present in population databases (gnomAD no frequency). This variant has not been reported in the literature in individuals affected with CTNNB1-related conditions. Invitae Evidence Modeling of protein sequence and biophysical properties (such as structural, functional, and spatial information, amino acid conservation, physicochemical variation, residue mobility, and thermodynamic stability) indicates that this missense variant is not expected to disrupt CTNNB1 protein function with a negative predictive value of 80%. In summary, the available evidence is currently insufficient to determine the role of this variant in disease. Therefore, it has been classified as a Variant of Uncertain Significance.

NM_001904.4(CTNNB1):c.842A>G (p.Lys281Arg)

Gene: CTNNB1 (catenin beta 1; plus strand). Cytogenetic location: 3p22.1.
Variant type: single nucleotide variant.
Coding change: c.842A>G on transcript NM_001904.4 (MANE Select); coding-DNA position 842, A replaced by G.
Protein change: p.Lys281Arg; replaces lysine 281 with arginine.
Molecular consequence: missense variant.
Genome position (GRCh38, 1-based): chr3:41,225,767, A>G. VCF-style: chr3-41225767-A-G. GRCh37 (hg19) VCF-style: chr3-41267258-A-G.
Other names: c.842A>G, p.Lys281Arg (NM_001098209.2, NM_001098210.2, NM_001438871.1 and 4 more transcripts); c.821A>G, p.Lys274Arg (NM_001330729.2); short protein forms K274R, K281R.
Identifiers: ClinVar variation 4715968 (VCV004715968.1).
Genomic context (GRCh38, chr3:41,225,767, plus strand): 5'-ACCTTTTATTACATCAAGAAGGAGCTAAAATGGCAGTGCGTTTAGCTGGTGGGCTGCAGA[A>G]AATGGTTGCCTTGCTCAACAAAACAAATGTTAAATTCTTGGCTATTACGACAGACTGCCT-3'
Protein context (NP_001895.1, residues 271-291): MAVRLAGGLQ[Lys281Arg]MVALLNKTNV